The following is an entry in ClinVar:

ClinVar aggregate classification (germline): Benign/Likely benign. Review status: criteria provided, multiple submitters, no conflicts (2 of 4 stars). 14 submissions from 14 submitters: Benign (6); Likely benign (5). 3 of the submissions do not count toward it. Last evaluated 2026-07-01.

Conditions:
Hereditary cancer-predisposing syndrome. Also called: Neoplastic Syndromes, Hereditary; Tumor predisposition; Hereditary neoplastic syndrome; Hereditary Cancer Syndrome. Identifiers: Orphanet 140162, MedGen C0027672, MeSH D009386, MONDO:0015356.
Microcephaly, normal intelligence and immunodeficiency (NBS). Also called: IMMUNODEFICIENCY, MICROCEPHALY, AND CHROMOSOMAL INSTABILITY; BERLIN BREAKAGE SYNDROME; Immunodeficiency, microcephaly with normal intelligence; SEEMANOVA SYNDROME II; Nijmegen breakage syndrome; Microcephaly with normal intelligence immunodeficiency and lymphoreticular malignancies. Identifiers: Orphanet 647, MedGen C0398791, MONDO:0009623, OMIM 251260.
Malignant tumor of breast. Also called: Malignant breast neoplasm; Cancer breast. Identifiers: MedGen C0006142, MONDO:0007254. Disease mechanism: loss of function.

Allele frequency attached by ClinVar (database versions not stated): gnomAD 0.00030 and 0.00046; gnomAD exomes 0.00041 and 0.00081; TOPMed 0.00056; ExAC 0.00097; 1000 Genomes Project 30x 0.00203; 1000 Genomes Project 0.00240.
gnomAD v4.1: 665 of 1,613,700 alleles (0.041%); highest among the groups gnomAD compares: East Asian, 1.1%; 3 homozygotes.

Submissions (14):

CeGaT Center for Human Genetics Tuebingen
Classification: Likely benign. Last evaluated: 2026-07-01. Review status: criteria provided, single submitter. Criteria: CeGaT Center For Human Genetics Tuebingen Variant Classification Criteria Version 2. Collection method: clinical testing. Allele origin: germline. Affected: yes. Observed: 5 variant alleles.
Comment: NBN: BP4, BS1

Institute for Biomarker Research, Medical Diagnostic Laboratories, L.L.C.
Classification: Likely benign for Hereditary cancer-predisposing syndrome. Last evaluated: 2026-01-27. Review status: criteria provided, single submitter. Criteria: ACMG Guidelines, 2015. Collection method: clinical testing. Allele origin: germline.
Comment: The missense variant NM_002485.5(NBN):c.1690G>A (p.Glu564Lys) has been reported to ClinVar as Benign/Likely benign with a status of (2 stars) criteria provided, multiple submitters, no conflicts (Accession: VCV000138427.65). The p.Glu564Lys variant is observed in 12/5,008 (0.2396%) alleles from individuals of 1kG All background in 1kG, which is greater than expected for the disorder. There is a small physicochemical difference between glutamic acid and lysine, which is not likely to impact secondary protein structure as these residues share similar properties. For these reasons, this variant has been classified as Likely Benign.

Labcorp Genetics (formerly Invitae), Labcorp
Classification: Benign for Microcephaly, normal intelligence and immunodeficiency. Last evaluated: 2026-01-24. Review status: criteria provided, single submitter. Criteria: Invitae Variant Classification Sherloc (09022015). Collection method: clinical testing. Allele origin: germline.

Blueprint Genetics
Classification: Likely benign. Last evaluated: 2024-10-15. Review status: criteria provided, single submitter. Criteria: ACMG Guidelines, 2015. Collection method: clinical testing. Allele origin: germline.

Quest Diagnostics Nichols Institute San Juan Capistrano
Classification: Benign. Last evaluated: 2023-06-19. Review status: criteria provided, single submitter. Criteria: Quest Diagnostics criteria. Collection method: clinical testing. Allele origin: unknown.

Sema4
Classification: Benign for Hereditary cancer-predisposing syndrome. Last evaluated: 2020-06-10. Review status: criteria provided, single submitter. Criteria: Sema4 Curation Guidelines. Collection method: curation. Allele origin: germline.

Ambry Genetics
Classification: Likely benign for Hereditary cancer-predisposing syndrome. Last evaluated: 2018-09-27. Review status: criteria provided, single submitter. Criteria: Ambry Variant Classification Scheme 2023. Collection method: clinical testing. Allele origin: germline.

Illumina Laboratory Services, Illumina
Classification: Benign for Microcephaly, normal intelligence and immunodeficiency. Last evaluated: 2017-08-21. Review status: criteria provided, single submitter. Criteria: ICSL Variant Classification Criteria 13 December 2019. Collection method: clinical testing. Allele origin: germline.
Comment: This variant was observed as part of a predisposition screen in an ostensibly healthy population. A literature search was performed for the gene, cDNA change, and amino acid change (where applicable). Publications were found based on this search. The evidence from the literature, in combination with allele frequency data from public databases where available, was sufficient to rule this variant out of causing disease. Therefore, this variant is classified as benign.

Women's Health and Genetics/Laboratory Corporation of America, LabCorp
Classification: Benign. Last evaluated: 2016-03-21. Review status: criteria provided, single submitter. Criteria: LabCorp Variant Classification Summary - May 2015. Collection method: clinical testing. Allele origin: germline.
Comment: Variant summary: The NBN c.1690G>A variant affects a conserved nucleotide, resulting in amino acid change from Glu to Lys. 3/4 in-silico tools predict this variant to be benign (SNPs&GO not captured due to low reliability index). Functional studies have not been carried out to prove or disprove these in silico predictions. The variant of interest was observed in a large, broad control population, ExAC, with an allele frequency of 118/121386 (1/1028), predominantly found in the East Asian cohort, 91/8654 (1/95), which exceeds the predicted maximum expected allele frequency for a pathogenic NBN variant of 1/8000 for HBOC. Therefore, suggesting that the variant of interest is a common polymorphism found in population(s) of East Asian origin. The variant has also been cited in cancer patients of East Asian origin, but without evidence of causality (i.e. co-segregation data). In addition, several clinical laboratories classified this variant as benign/likely benign. Taken together, the variant of interest was classified as Benign.

GeneDx
Classification: Benign. Last evaluated: 2014-02-07. Review status: criteria provided, single submitter. Criteria: GeneDx Variant Classification (06012015). Collection method: clinical testing. Allele origin: germline. Affected: yes.
Comment: This variant is considered likely benign or benign based on one or more of the following criteria: it is a conservative change, it occurs at a poorly conserved position in the protein, it is predicted to be benign by multiple in silico algorithms, and/or has population frequency not consistent with disease.

Breakthrough Genomics
Classification: Likely benign. Review status: criteria provided, single submitter. Criteria: ACMG Guidelines, 2015. Collection method: not provided. Allele origin: germline. Inheritance: Autosomal recessive inheritance. Affected: yes.

Natera, Inc.
Classification: Benign for Nijmegen breakage syndrome. Last evaluated: 2020-04-14. Review status: no assertion criteria provided. Collection method: clinical testing. Allele origin: germline. Not counted in ClinVar's aggregate classification.

Counsyl
Classification: Likely benign for Microcephaly, normal intelligence and immunodeficiency. Last evaluated: 2017-01-10. Review status: no assertion criteria provided. Collection method: clinical testing. Allele origin: unknown. Not counted in ClinVar's aggregate classification.

Department of Pathology and Laboratory Medicine, Sinai Health System
Classification: Likely benign for Malignant tumor of breast. Review status: no assertion criteria provided. Collection method: clinical testing. Allele origin: unknown. Affected: yes. Study: The Canadian Open Genetics Repository (COGR). Not counted in ClinVar's aggregate classification.
Comment: The NBN p.Glu564Lys variant was identified in 14 of 634 proband chromosomes (frequency: 0.022) from individuals or families with breast cancer and NBS (Kim 2015, Wang 2013). The variant was also identified in dbSNP (ID: rs72550742) as With Likely benign allele, ClinVar (classified as benign by GeneDx, Invitae; classified as likely benign by Ambry Genetics), Clinvitae (classified as benign by ClinVar, Invitae; classified as likely benign by ClinVar), Zhejiang Colon Cancer Database (1X), databases. The variant was not identified in Cosmic, LOVD 3.0, databases. The variant was identified in control databases in 218 of 276878 chromosomes at a frequency of 0.000787 increasing the likelihood this could be a low frequency benign variant (Genome Aggregation Consortium Feb 27, 2017). The p.Glu564 residue is not conserved in mammals and four out of five computational analyses (PolyPhen-2, SIFT, AlignGVGD, BLOSUM, MutationTaster) do not suggest a high likelihood of impact to the protein; however, this information is not predictive enough to rule out pathogenicity. The variant occurs outside of the splicing consensus sequence and in silico or computational prediction software programs (SpliceSiteFinder, MaxEntScan, NNSPLICE, GeneSplicer, HumanSpliceFinder) do not predict a difference in splicing. The variant is located with the Nibrin functional domain increasing the likelihood that it may have clinical significance. In summary, based on the above information, the clinical significance of this variant cannot be determined with certainty at this time although we would lean towards a more benign role for this variant. This variant is classified as likely benign.â€šÃ„Â®References (PMIDs): 25712764, 24349281

Literature cited by the submitters: PubMed 28135145 (cited by Quest Diagnostics Nichols Institute San Juan Capistrano); PubMed 30287823 (cited by Quest Diagnostics Nichols Institute San Juan Capistrano); PubMed 29929473 (cited by Quest Diagnostics Nichols Institute San Juan Capistrano); PubMed 24349281 (cited by 4 submitters); PubMed 26315354 (cited by Quest Diagnostics Nichols Institute San Juan Capistrano and Women's Health and Genetics/Laboratory Corporation of America, LabCorp); PubMed 25980754 (cited by 3 submitters); PubMed 25712764 (cited by 4 submitters); PubMed 26976419 (cited by Quest Diagnostics Nichols Institute San Juan Capistrano and Illumina Laboratory Services, Illumina).

NM_002485.5(NBN):c.1690G>A (p.Glu564Lys)

Gene: NBN (nibrin; minus strand). Cytogenetic location: 8q21.3.
Variant type: single nucleotide variant.
Coding change: c.1690G>A on transcript NM_002485.5 (MANE Select); coding-DNA position 1690, G replaced by A.
Protein change: p.Glu564Lys; replaces glutamic acid 564 with lysine.
Molecular consequence: missense variant.
Genome position (GRCh38, 1-based): chr8:89,953,399, C>T on the plus strand (G>A on the coding strand, the complement: NBN is on the minus strand). VCF-style: chr8-89953399-C-T. GRCh37 (hg19) VCF-style: chr8-90965627-C-T.
Other names: p.E564K:GAA>AAA; c.1444G>A, p.Glu482Lys (NM_001024688.3); short protein forms E564K, E482K.
Identifiers: ClinVar variation 138427 (VCV000138427.72), dbSNP rs72550742, ClinGen allele CA293957.